The following is an entry in ClinVar:

NM_006432.5(NPC2):c.197A>T (p.Gln66Leu)

Gene: NPC2 (NPC intracellular cholesterol transporter 2; minus strand). Cytogenetic location: 14q24.3.
Variant type: single nucleotide variant.
Coding change: c.197A>T on transcript NM_006432.5 (MANE Select); coding-DNA position 197, A replaced by T.
Protein change: p.Gln66Leu; replaces glutamine 66 with leucine.
Molecular consequence: missense variant.
Genome position (GRCh38, 1-based): chr14:74,484,581, T>A on the plus strand (A>T on the coding strand, the complement: NPC2 is on the minus strand). VCF-style: chr14-74484581-T-A. GRCh37 (hg19) VCF-style: chr14-74951284-T-A.
Other names: c.197A>T, p.Gln66Leu (NM_001363688.1, NM_001375440.1); short protein forms Q66L.
Identifiers: ClinVar variation 4983347 (VCV004983347.1).

ClinVar aggregate classification (germline): Uncertain significance (1 of 4 stars; one submission).

Conditions:
NPC2-related disorder. Also called: NPC2-related condition.

Submission:

PreventionGenetics, part of Exact Sciences
Classification: Uncertain significance for NPC2-related condition. Last evaluated: 2024-12-05. Review status: criteria provided, single submitter. Criteria: ACMG Guidelines, 2015. Collection method: clinical testing. Allele origin: germline.
Comment: The NPC2 c.197A>T variant is predicted to result in the amino acid substitution p.Gln66Leu. To our knowledge, this variant has not been reported in the literature or in a large population database (gnomAD), indicating this variant is rare. At this time, the clinical significance of this variant is uncertain due to the absence of conclusive functional and genetic evidence.